The following is an entry in ClinVar:

ClinVar aggregate classification (germline): Likely pathogenic. Review status: criteria provided, multiple submitters, no conflicts (2 of 4 stars). 2 submissions from 2 submitters: Likely pathogenic (2). Last evaluated 2025-08-21.

Conditions:
Alport syndrome. Also called: Hemorrhagic familial nephritis; Hemorrhagic hereditary nephritis; Congenital hereditary hematuria. Identifiers: Orphanet 63, MedGen C1567741, MONDO:0018965.

gnomAD v4.1: 9 of 1,614,168 alleles (0.00056%); highest among the groups gnomAD compares: Non-Finnish European, 0.00076%; no homozygotes.

Submissions (2):

Natera, Inc.
Classification: Likely pathogenic for Alport syndrome. Last evaluated: 2025-08-21. Review status: criteria provided, single submitter. Criteria: Natera Variant Classification Schema (03/2026). Collection method: clinical testing. Allele origin: germline.
Comment: The c.293G>A variant in COL4A4 is a missense variant predicted to cause substitution of glycine to aspartic acid at amino acid 98. This variant is rare in the general population with a frequency below the threshold expected for the associated phenotype(s). This variant is located in a functionally critical region of the protein. Computational prediction algorithms indicate this variant is likely to affect gene or protein function. Given the available evidence, this variant is classified as Likely Pathogenic.

Myriad Genetics, Inc.
Classification: Likely pathogenic for Alport syndrome. Last evaluated: 2025-02-11. Review status: criteria provided, single submitter. Criteria: Myriad Autosomal Dominant, Autosomal Recessive and X-Linked Classification Criteria (2023). Collection method: clinical testing. Allele origin: unknown.
Comment: NM_000092.4(COL4A4):c.293G>A(G98D) is a missense variant classified as likely pathogenic in the context of Alport syndrome, COL4A4-related. G98D has been observed in a case with relevant disease (PMID: 38338714). Relevant functional assessments of this variant are not available in the literature. G98D has not been observed in referenced population frequency databases. In summary, NM_000092.4(COL4A4):c.293G>A(G98D) is a missense variant that has been observed more frequently in cases with the relevant disease than in healthy populations. Please note: this variant was assessed in the context of healthy population screening.

Literature cited by the submitters: PubMed 38338714 (cited by Myriad Genetics, Inc.).

NM_000092.5(COL4A4):c.293G>A (p.Gly98Asp)

Gene: COL4A4 (collagen type IV alpha 4 chain; minus strand). Cytogenetic location: 2q36.3.
Variant type: single nucleotide variant.
Coding change: c.293G>A on transcript NM_000092.5 (MANE Select); coding-DNA position 293, G replaced by A.
Protein change: p.Gly98Asp; replaces glycine 98 with aspartic acid.
Molecular consequence: missense variant.
Genome position (GRCh38, 1-based): chr2:227,121,048, C>T on the plus strand (G>A on the coding strand, the complement: COL4A4 is on the minus strand). VCF-style: chr2-227121048-C-T. GRCh37 (hg19) VCF-style: chr2-227985764-C-T.
Other names: short protein forms G98D.
Identifiers: ClinVar variation 4081615 (VCV004081615.2).